The following is an entry in ClinVar:

NM_000152.5(GAA):c.1438-19G>C

Gene: GAA (alpha glucosidase; plus strand). Cytogenetic location: 17q25.3.
Variant type: single nucleotide variant.
Coding change: c.1438-19G>C on transcript NM_000152.5 (MANE Select); 19 bases into the intron before coding-DNA position 1438, G replaced by C.
Molecular consequence: intron variant.
Genome position (GRCh38, 1-based): chr17:80,110,708, G>C. VCF-style: chr17-80110708-G-C. GRCh37 (hg19) VCF-style: chr17-78084507-G-C.
Other names: c.1438-19G>C (LRG_673t1, NM_001079803.3, NM_001079804.3).
Identifiers: ClinVar variation 92464 (VCV000092464.25), dbSNP rs2304844, ClinGen allele CA145756.
Genomic context (GRCh38, chr17:80,110,708, plus strand): 5'-TCAGGCTGAGGCTCAGTGGGGCTTCCATGCAGGCCCTGGGTGGGGCCGGGTCTCCCCACT[G>C]CAGCCTCTCGTTGTCCAGGTATGGCCCGGGTCCACTGCCTTCCCCGACTTCACCAACCCC-3'

ClinVar aggregate classification (germline): Benign. Review status: criteria provided, multiple submitters, no conflicts (2 of 4 stars). 12 submissions from 12 submitters: Benign (8). 4 of the submissions do not count toward it. Last evaluated 2026-07-01.

Conditions:
Glycogen storage disease, type II (IOPD). Also called: POMPE DISEASE, INFANTILE-ONSET; GLYCOGEN STORAGE DISEASE II, INFANTILE-ONSET; ACID ALPHA-GLUCOSIDASE DEFICIENCY, INFANTILE-ONSET; GAA DEFICIENCY, INFANTILE-ONSET; ACID MALTASE DEFICIENCY, INFANTILE-ONSET; Glucosidase acid-1,4-alpha deficiency. Identifiers: Orphanet 365, MedGen C0017921, MONDO:0009290, OMIM 232300.

Allele frequency attached by ClinVar (database versions not stated): 1000 Genomes Project 30x 0.60119; 1000 Genomes Project 0.60304; TOPMed 0.63560; gnomAD 0.65495 and 0.65511; gnomAD exomes 0.66956; ESP Exome Variant Server 0.67031; ExAC 0.67604.
gnomAD v4.1: 1,137,395 of 1,610,108 alleles (71%); highest among the groups gnomAD compares: Middle Eastern, 80%; 405,650 homozygotes.

Submissions (12):

Genomenon, Inc
Classification: Benign for Glycogen storage disease, type II. Last evaluated: 2026-07-01. Review status: criteria provided, single submitter. Criteria: Genomenon Sequence Variant Interpretation Standards - Updated. Collection method: curation. Allele origin: germline. Affected: no.
Comment: GAA c.1438-19G>C is an intronic variant located in the acceptor splice region of intron 9. This variant is present at high allele frequency in population databases. We classify GAA c.1438-19G>C as a benign variant.

Labcorp Genetics (formerly Invitae), Labcorp
Classification: Benign for Glycogen storage disease, type II. Last evaluated: 2026-02-04. Review status: criteria provided, single submitter. Criteria: Invitae Variant Classification Sherloc (09022015). Collection method: clinical testing. Allele origin: germline.

Blueprint Genetics
Classification: Benign. Last evaluated: 2024-11-28. Review status: criteria provided, single submitter. Criteria: ACMG Guidelines, 2015. Collection method: clinical testing. Allele origin: germline.

Genome-Nilou Lab
Classification: Benign for Glycogen storage disease, type II. Last evaluated: 2021-06-10. Review status: criteria provided, single submitter. Criteria: ACMG Guidelines, 2015. Collection method: clinical testing. Allele origin: germline. Affected: no.

Eurofins Ntd Llc (ga)
Classification: Benign. Last evaluated: 2018-09-04. Review status: criteria provided, single submitter. Criteria: EGL ClinVar v180209 classification definitions. Collection method: clinical testing. Allele origin: germline. Observed: 113 variant alleles, 56 heterozygotes, 57 homozygotes.

GeneDx
Classification: Benign. Last evaluated: 2015-03-03. Review status: criteria provided, single submitter. Criteria: GeneDx Variant Classification Process June 2021. Collection method: clinical testing. Allele origin: germline. Affected: yes.

Breakthrough Genomics
Classification: Benign. Review status: criteria provided, single submitter. Criteria: ACMG Guidelines, 2015. Collection method: not provided. Allele origin: germline. Inheritance: Autosomal recessive inheritance. Affected: yes.

PreventionGenetics, part of Exact Sciences
Classification: Benign. Review status: criteria provided, single submitter. Criteria: ACMG Guidelines, 2015. Collection method: clinical testing. Allele origin: germline.

Mayo Clinic Laboratories, Mayo Clinic
Classification: Benign. Last evaluated: 2015-10-19. Review status: no assertion criteria provided. Collection method: clinical testing. Allele origin: unknown. Not counted in ClinVar's aggregate classification.

Diagnostic Laboratory, Department of Genetics, University Medical Center Groningen
Classification: Benign for Glycogen storage disease, type II. Review status: no assertion criteria provided. Collection method: clinical testing. Allele origin: germline. Affected: yes. Study: VKGL Data-share Consensus. Not counted in ClinVar's aggregate classification.

Genome Diagnostics Laboratory, University Medical Center Utrecht
Classification: Benign. Review status: no assertion criteria provided. Collection method: clinical testing. Allele origin: germline. Affected: yes. Study: VKGL Data-share Consensus. Not counted in ClinVar's aggregate classification.

Joint Genome Diagnostic Labs from Nijmegen and Maastricht, Radboudumc and MUMC+
Classification: Benign. Review status: no assertion criteria provided. Collection method: clinical testing. Allele origin: germline. Affected: yes. Study: VKGL Data-share Consensus. Not counted in ClinVar's aggregate classification.